The following is an entry in ClinVar:

ClinVar aggregate classification (germline): Uncertain significance (1 of 4 stars; one submission).

Conditions:
Familial intrahepatic cholestasis. Identifiers: Orphanet 284385, MedGen CN296401, MONDO:0017290.

Submission:

Genomenon, Inc
Classification: Uncertain significance for Familial intrahepatic cholestasis. Last evaluated: 2026-04-14. Review status: criteria provided, single submitter. Criteria: Genomenon Sequence Variant Interpretation Standards - Updated. Collection method: curation. Allele origin: germline. Affected: yes.
Comment: ATP8B1 p.Leu127Val (c.379C>G) is a missense variant that changes the amino acid at residue 127 from Leucine to Valine. This variant has been observed in at least one proband with features of ATP8B1-deficiency (PMID:28937026). The variant was found to segregate with disease in at least one affected family (PMID:28937026). It is absent or not present at a significant frequency in gnomAD. In silico models predict that this variant is not damaging. In conclusion, we classify ATP8B1 p.Leu127Val (c.379C>G) as a variant of uncertain significance.

Literature cited by the submitters: PubMed 28937026.

NM_001374385.1(ATP8B1):c.379C>G (p.Leu127Val)

Gene: ATP8B1 (ATPase phospholipid transporting 8B1; minus strand). Cytogenetic location: 18q21.31.
Variant type: single nucleotide variant.
Coding change: c.379C>G on transcript NM_001374385.1 (MANE Select); coding-DNA position 379, C replaced by G.
Protein change: p.Leu127Val; replaces leucine 127 with valine.
Molecular consequence: missense variant.
Genome position (GRCh38, 1-based): chr18:57,704,569, G>C on the plus strand (C>G on the coding strand, the complement: ATP8B1 is on the minus strand). VCF-style: chr18-57704569-G-C. GRCh37 (hg19) VCF-style: chr18-55371801-G-C.
Other names: c.229C>G, p.Leu77Val (NM_001374386.1); c.379C>G, p.Leu127Val (NM_005603.6); short protein forms L127V, L77V.
Identifiers: ClinVar variation 4846251 (VCV004846251.1).